The following is an entry in ClinVar:

ClinVar aggregate classification (germline): Uncertain significance (1 of 4 stars; one submission).

Allele frequency attached by ClinVar (database versions not stated): gnomAD exomes below 0.00001; ExAC 0.00001; gnomAD 0.00001; TOPMed 0.00002; ESP Exome Variant Server 0.00008.
gnomAD v4.1: 6 of 1,611,828 alleles (0.00037%); highest among the groups gnomAD compares: Non-Finnish European, 0.00051%; no homozygotes.

Submission:

Labcorp Genetics (formerly Invitae), Labcorp
Classification: Uncertain significance. Last evaluated: 2021-02-15. Review status: criteria provided, single submitter. Criteria: Invitae Variant Classification Sherloc (09022015). Collection method: clinical testing. Allele origin: germline.
Comment: This sequence change replaces threonine with alanine at codon 1299 of the COL18A1 protein (p.Thr1299Ala). The threonine residue is highly conserved and there is a small physicochemical difference between threonine and alanine. This variant is present in population databases (rs370518474, ExAC no frequency). This variant has not been reported in the literature in individuals with COL18A1-related conditions. Experimental studies and prediction algorithms are not available or were not evaluated, and the functional significance of this variant is currently unknown. In summary, the available evidence is currently insufficient to determine the role of this variant in disease. Therefore, it has been classified as a Variant of Uncertain Significance.

NM_001379500.1(COL18A1):c.3904A>G (p.Thr1302Ala)

Genes: COL18A1 (collagen type XVIII alpha 1 chain; plus strand), SLC19A1 (solute carrier family 19 member 1; minus strand). Cytogenetic location: 21q22.3.
Variant type: single nucleotide variant.
Coding change: c.3904A>G on transcript NM_001379500.1 (MANE Select); coding-DNA position 3904, A replaced by G.
Protein change: p.Thr1302Ala; replaces threonine 1302 with alanine.
Molecular consequence: missense variant.
Genome position (GRCh38, 1-based): chr21:45,512,282, A>G. VCF-style: chr21-45512282-A-G. GRCh37 (hg19) VCF-style: chr21-46932196-A-G.
Other names: c.4435A>G, p.Thr1479Ala (NM_030582.4); c.5140A>G, p.Thr1714Ala (NM_130444.3); short protein forms T1479A, T1714A, T1302A.
Identifiers: ClinVar variation 1475212 (VCV001475212.3), dbSNP rs370518474, ClinGen allele CA10068129.